The following is an entry in ClinVar:

ClinVar aggregate classification (germline): Uncertain significance (1 of 4 stars; one submission).

Conditions:
Inborn genetic diseases. Identifiers: MedGen C0950123, MeSH D030342.

Submission:

Ambry Genetics
Classification: Uncertain significance for Inborn genetic diseases. Last evaluated: 2026-01-03. Review status: criteria provided, single submitter. Criteria: Ambry Variant Classification Scheme 2023. Collection method: clinical testing. Allele origin: germline.
Comment: The p.C1328R variant (also known as c.3982T>C), located in coding exon 1 of the SAMD9L gene, results from a T to C substitution at nucleotide position 3982. The cysteine at codon 1328 is replaced by arginine, an amino acid with highly dissimilar properties. This amino acid position is conserved. In addition, this alteration is predicted to be tolerated by in silico analysis. Based on the available evidence, the clinical significance of this variant remains unclear.

NM_152703.5(SAMD9L):c.3982T>C (p.Cys1328Arg)

Gene: SAMD9L (sterile alpha motif domain containing 9 like; minus strand). Cytogenetic location: 7q21.2.
Variant type: single nucleotide variant.
Coding change: c.3982T>C on transcript NM_152703.5 (MANE Select); coding-DNA position 3982, T replaced by C.
Protein change: p.Cys1328Arg; replaces cysteine 1328 with arginine.
Molecular consequence: missense variant.
Genome position (GRCh38, 1-based): chr7:93,131,990, A>G on the plus strand (T>C on the coding strand, the complement: SAMD9L is on the minus strand). VCF-style: chr7-93131990-A-G. GRCh37 (hg19) VCF-style: chr7-92761303-A-G.
Other names: c.3982T>C, p.Cys1328Arg (NM_001303496.3, NM_001303497.3, NM_001303498.3 and 5 more transcripts); short protein forms C1328R.
Identifiers: ClinVar variation 4842029 (VCV004842029.1).